The following is an entry in ClinVar:

ClinVar aggregate classification (germline): Uncertain significance (1 of 4 stars; one submission).

Conditions:
Chromosome 2q32-q33 deletion syndrome (GLASS). Also called: 2q33.1 deletion syndrome; Glass syndrome. Identifiers: Orphanet 251019, MedGen C2676739, MONDO:0012864, OMIM 612313.

gnomAD v4.1: 1 of 1,614,176 alleles (0.000062%); highest among the groups gnomAD compares: Non-Finnish European, 0.000085%; no homozygotes.

Submission:

Labcorp Genetics (formerly Invitae), Labcorp
Classification: Uncertain significance for Chromosome 2q32-q33 deletion syndrome. Last evaluated: 2025-10-11. Review status: criteria provided, single submitter. Criteria: Invitae Variant Classification Sherloc (09022015). Collection method: clinical testing. Allele origin: germline.
Comment: This sequence change replaces alanine, which is neutral and non-polar, with threonine, which is neutral and polar, at codon 625 of the SATB2 protein (p.Ala625Thr). This variant is not present in population databases (gnomAD no frequency). This variant has not been reported in the literature in individuals affected with SATB2-related conditions. Invitae Evidence Modeling of protein sequence and biophysical properties (such as structural, functional, and spatial information, amino acid conservation, physicochemical variation, residue mobility, and thermodynamic stability) has been performed for this missense variant. However, the output from this modeling did not meet the statistical confidence thresholds required to predict the impact of this variant on SATB2 protein function. In summary, the available evidence is currently insufficient to determine the role of this variant in disease. Therefore, it has been classified as a Variant of Uncertain Significance.

NM_001172509.2(SATB2):c.1873G>A (p.Ala625Thr)

Genes: SATB2 (SATB homeobox 2; minus strand), LOC126806462 (MED14-independent group 3 enhancer GRCh37_chr2:200136608-200137807; plus strand). Cytogenetic location: 2q33.1.
Variant type: single nucleotide variant.
Coding change: c.1873G>A on transcript NM_001172509.2 (MANE Select); coding-DNA position 1873, G replaced by A.
Protein change: p.Ala625Thr; replaces alanine 625 with threonine.
Molecular consequence: missense variant.
Genome position (GRCh38, 1-based): chr2:199,272,540, C>T on the plus strand (G>A on the coding strand, the complement: SATB2 is on the minus strand). VCF-style: chr2-199272540-C-T. GRCh37 (hg19) VCF-style: chr2-200137263-C-T.
Other names: c.1873G>A, p.Ala625Thr (NM_001172517.1, NM_015265.4); short protein forms A625T.
Identifiers: ClinVar variation 4797643 (VCV004797643.1).